The following is an entry in ClinVar:

NM_000038.6(APC):c.3298del (p.Ser1100fs)

Gene: APC (APC regulator of Wnt signaling pathway; plus strand). Cytogenetic location: 5q22.2.
Variant type: Deletion.
Coding change: c.3298del on transcript NM_000038.6 (MANE Select); coding-DNA position 3298, one base deleted (T; older notation c.3298delT).
Protein change: p.Ser1100fs; shifts the reading frame from serine 1100.
Molecular consequence: frameshift variant.
Genome position (GRCh38, 1-based): chr5:112,838,892, T deleted; the last of 3 consecutive T bases (chr5:112,838,890-112,838,892); deleting any one gives the same sequence. VCF-style (leftmost placement, unchanged base first): chr5-112838889-GT-G. GRCh37 (hg19) VCF-style: chr5-112174586-GT-G.
Other names: c.3298del, p.Ser1100fs (NM_001127510.3, NM_001354895.2); c.3244del, p.Ser1082fs (NM_001127511.3); c.3352del, p.Ser1118fs (NM_001354896.2); c.3328del, p.Ser1110fs (NM_001354897.2); c.3223del, p.Ser1075fs (NM_001354898.2); c.3214del, p.Ser1072fs (NM_001354899.2); c.3175del, p.Ser1059fs (NM_001354900.2); c.3121del, p.Ser1041fs (NM_001354901.2); and 16 more; short protein forms S999fs, S1059fs, S817fs, S940fs, S1009fs, S1100fs, S1110fs, S1118fs.
Identifiers: ClinVar variation 2111708 (VCV002111708.6), dbSNP rs2149888975, ClinGen allele CA2580072935.
Genomic context (GRCh38, chr5:112,838,889, plus strand): 5'-ACTGAGAGCACTGATGATAAACACCTCAAGTTCCAACCACATTTTGGACAGCAGGAATGT[GT>G]TTCTCCATACAGGTCACGGGGAGCCAATGGTTCAGAAACAAATCGAGTGGGTTCTAATCA-3'

ClinVar aggregate classification (germline): Pathogenic. Review status: criteria provided, multiple submitters, no conflicts (2 of 4 stars). 2 submissions from 2 submitters: Pathogenic (2). Last evaluated 2023-05-08.

Conditions:
Familial adenomatous polyposis 1 (FAP1). Also called: POLYPOSIS, ADENOMATOUS INTESTINAL; FAMILIAL ADENOMATOUS POLYPOSIS 1, ATTENUATED. Identifiers: MedGen C2713442, MONDO:0021056, OMIM 175100. Disease mechanism: loss of function.

Submissions (2):

Myriad Genetics, Inc.
Classification: Pathogenic for Familial adenomatous polyposis 1. Last evaluated: 2023-05-08. Review status: criteria provided, single submitter. Criteria: Myriad Autosomal Dominant, Autosomal Recessive and X-Linked Classification Criteria (2023). Collection method: clinical testing. Allele origin: unknown.
Comment: This variant is considered pathogenic. This variant creates a frameshift predicted to result in premature protein truncation.

Labcorp Genetics (formerly Invitae), Labcorp
Classification: Pathogenic for Familial adenomatous polyposis 1. Last evaluated: 2022-03-14. Review status: criteria provided, single submitter. Criteria: Invitae Variant Classification Sherloc (09022015). Collection method: clinical testing. Allele origin: germline.
Comment: This variant is expected to disrupt the EB1 and HDLG binding sites, which mediate interactions with the cytoskeleton (PMID: 15311282, 17293347). While functional studies have not been performed to directly test the effect on APC protein function, this suggests that disruption of the C-terminal portion of the protein is functionally important. For these reasons, this variant has been classified as Pathogenic. A different truncation (p.Tyr2645Lysfs*14) that lies downstream of this variant has been determined to be pathogenic (PMID: 9824584, 1316610, 27081525, 8381579, 22135120, Invitae). This suggests that deletion of this region of the APC protein is causative of disease. This variant has not been reported in the literature in individuals affected with APC-related conditions. This variant is not present in population databases (gnomAD no frequency). This sequence change creates a premature translational stop signal (p.Ser1100Leufs*26) in the APC gene. While this is not anticipated to result in nonsense mediated decay, it is expected to disrupt the last 1744 amino acid(s) of the APC protein.

Literature cited by the submitters: PubMed 15311282 (cited by Labcorp Genetics (formerly Invitae), Labcorp); PubMed 17293347 (cited by Labcorp Genetics (formerly Invitae), Labcorp); PubMed 9824584 (cited by Labcorp Genetics (formerly Invitae), Labcorp); PubMed 1316610 (cited by Labcorp Genetics (formerly Invitae), Labcorp); PubMed 27081525 (cited by Labcorp Genetics (formerly Invitae), Labcorp); PubMed 8381579 (cited by Labcorp Genetics (formerly Invitae), Labcorp); PubMed 22135120 (cited by Labcorp Genetics (formerly Invitae), Labcorp).